The following is an entry in ClinVar:

ClinVar aggregate classification (germline): Pathogenic/Likely pathogenic. Review status: criteria provided, multiple submitters, no conflicts (2 of 4 stars). 2 submissions from 2 submitters: Pathogenic (1); Likely pathogenic (1). Last evaluated 2025-10-19.

Conditions:
Nemaline myopathy 2 (NEM2). Also called: Nemaline myopathy 2, autosomal recessive. Identifiers: MedGen C1850569, MONDO:0009725, OMIM 256030.

Allele frequency attached by ClinVar (database versions not stated): gnomAD exomes below 0.00001.
gnomAD v4.1: 1 of 1,589,668 alleles (0.000063%); highest among the groups gnomAD compares: Non-Finnish European, 0.000086%; no homozygotes.

Submissions (2):

Labcorp Genetics (formerly Invitae), Labcorp
Classification: Pathogenic for Nemaline myopathy 2. Last evaluated: 2025-10-19. Review status: criteria provided, single submitter. Criteria: Invitae Variant Classification Sherloc (09022015). Collection method: clinical testing. Allele origin: germline.
Comment: This sequence change creates a premature translational stop signal (p.Cys1286*) in the NEB gene. It is expected to result in an absent or disrupted protein product. Loss-of-function variants in NEB are known to be pathogenic (PMID: 25205138). The frequency data for this variant in the population databases is considered unreliable, as metrics indicate poor data quality at this position in the gnomAD database. This variant has not been reported in the literature in individuals affected with NEB-related conditions. ClinVar contains an entry for this variant (Variation ID: 444521). For these reasons, this variant has been classified as Pathogenic.

CeGaT Center for Human Genetics Tuebingen
Classification: Likely pathogenic. Last evaluated: 2017-02-01. Review status: criteria provided, single submitter. Criteria: CeGaT Center For Human Genetics Tuebingen Variant Classification Criteria Version 2. Collection method: clinical testing. Allele origin: germline. Affected: yes. Observed: 1 variant allele.

Literature cited by the submitters: PubMed 25205138 (cited by Labcorp Genetics (formerly Invitae), Labcorp).

NM_001164508.2(NEB):c.3858C>A (p.Cys1286Ter)

Gene: NEB (nebulin; minus strand). Cytogenetic location: 2q23.3.
Variant type: single nucleotide variant.
Coding change: c.3858C>A on transcript NM_001164508.2 (MANE Select); coding-DNA position 3858, C replaced by A.
Protein change: p.Cys1286Ter; replaces cysteine 1286 with a stop codon.
Molecular consequence: nonsense.
Genome position (GRCh38, 1-based): chr2:151,675,308, G>T on the plus strand (C>A on the coding strand, the complement: NEB is on the minus strand). VCF-style: chr2-151675308-G-T. GRCh37 (hg19) VCF-style: chr2-152531822-G-T.
Other names: c.3858C>A, p.Cys1286Ter (NM_001164507.2, NM_001271208.2, NM_004543.5); short protein forms C1286*.
Identifiers: ClinVar variation 444521 (VCV000444521.49), dbSNP rs1386238241, ClinGen allele CA348817905.